The following is an entry in ClinVar:

ClinVar aggregate classification (germline): Uncertain significance (1 of 4 stars; one submission).

Conditions:
Cardiovascular phenotype. Identifiers: MedGen CN230736.

Allele frequency attached by ClinVar (database versions not stated): gnomAD exomes 0.00001; ExAC 0.00002.

Submission:

Ambry Genetics
Classification: Uncertain significance for Cardiovascular phenotype. Last evaluated: 2023-09-25. Review status: criteria provided, single submitter. Criteria: Ambry Variant Classification Scheme 2023. Collection method: clinical testing. Allele origin: germline.
Comment: The p.H3207R variant (also known as c.9620A>G), located in coding exon 26 of the APOB gene, results from an A to G substitution at nucleotide position 9620. The histidine at codon 3207 is replaced by arginine, an amino acid with highly similar properties. This amino acid position is conserved. In addition, this alteration is predicted to be tolerated by in silico analysis. Since supporting evidence is limited at this time, the clinical significance of this alteration remains unclear.

NM_000384.3(APOB):c.9620A>G (p.His3207Arg)

Gene: APOB (apolipoprotein B; minus strand). Cytogenetic location: 2p24.1.
Variant type: single nucleotide variant.
Coding change: c.9620A>G on transcript NM_000384.3 (MANE Select); coding-DNA position 9620, A replaced by G.
Protein change: p.His3207Arg; replaces histidine 3207 with arginine.
Molecular consequence: missense variant.
Genome position (GRCh38, 1-based): chr2:21,007,248, T>C on the plus strand (A>G on the coding strand, the complement: APOB is on the minus strand). VCF-style: chr2-21007248-T-C. GRCh37 (hg19) VCF-style: chr2-21230120-T-C.
Other names: short protein forms H3207R.
Identifiers: ClinVar variation 3231477 (VCV003231477.1), dbSNP rs775854932, ClinGen allele CA066698.